The following is an entry in ClinVar:

NM_001165963.4(SCN1A):c.5877G>T (p.Met1959Ile)

Genes: SCN1A (sodium voltage-gated channel alpha subunit 1; minus strand), LOC102724058 (uncharacterized LOC102724058; plus strand). Cytogenetic location: 2q24.3.
Variant type: single nucleotide variant.
Coding change: c.5877G>T on transcript NM_001165963.4 (MANE Select); coding-DNA position 5877, G replaced by T.
Protein change: p.Met1959Ile; replaces methionine 1959 with isoleucine.
Molecular consequence: missense variant. On other transcripts: non-coding transcript variant (1).
Genome position (GRCh38, 1-based): chr2:165,991,398, C>A on the plus strand (G>T on the coding strand, the complement: SCN1A is on the minus strand). VCF-style: chr2-165991398-C-A. GRCh37 (hg19) VCF-style: chr2-166847908-C-A.
Other names: c.5793G>T, p.Met1931Ile (NM_001165964.3, NM_001353957.2, NM_001353958.2); c.5877G>T, p.Met1959Ile (NM_001202435.3, NM_001353948.2); c.5844G>T, p.Met1948Ile (NM_001353949.2, NM_001353950.2, NM_001353951.2 and 2 more transcripts); c.5841G>T, p.Met1947Ile (NM_001353954.2, NM_001353955.2); c.5790G>T, p.Met1930Ile (NM_001353960.2); c.3435G>T, p.Met1145Ile (NM_001353961.2); c.5877G>T (NM_001202435.1); short protein forms M1948I, M1959I, M1145I, M1930I, M1931I, M1947I.
Identifiers: ClinVar variation 425223 (VCV000425223.55), dbSNP rs763997333, ClinGen allele CA1942628.
Genomic context (GRCh38, chr2:165,991,398, plus strand): 5'-AGTGGACATGGTCAGATCAGTTTTTTCTGTAATAGAGTTTTCATTTATTCTGTCAATTAT[C>A]ATGTCTTCTTTTATAAGAAGATTAGCCCCACCTTTGATTTTGTTTTTATTGTACGTAAAG-3'
Protein context (NP_001159435.1, residues 1949-1969): GGANLLIKED[Met1959Ile]IIDRINENSI

ClinVar aggregate classification (germline): Conflicting classifications of pathogenicity. Review status: criteria provided, conflicting classifications (1 of 4 stars). 4 submissions from 4 submitters: Uncertain significance (2); Likely benign (2). Last evaluated 2026-01-26.

Conditions:
SCN1A-related disorder. Also called: SCN1A-related conditions; SCN1A-related condition; SCN1A-related disorders.
Early-infantile DEE. Also called: Early infantile epileptic encephalopathy with suppression bursts; Early infantile epileptic encephalopathy; Ohtahara syndrome. Identifiers: Orphanet 1934, MedGen C0393706, MONDO:0800491.
Inborn genetic diseases. Identifiers: MedGen C0950123, MeSH D030342.

Allele frequency attached by ClinVar (database versions not stated): gnomAD 0.00001; gnomAD exomes 0.00002; TOPMed 0.00002; ExAC 0.00003.

Submissions (4):

Labcorp Genetics (formerly Invitae), Labcorp
Classification: Likely benign for Early-infantile DEE. Last evaluated: 2026-01-26. Review status: criteria provided, single submitter. Criteria: Invitae Variant Classification Sherloc (09022015). Collection method: clinical testing. Allele origin: germline.

PreventionGenetics, part of Exact Sciences
Classification: Uncertain significance for SCN1A-related condition. Last evaluated: 2022-09-23. Review status: criteria provided, single submitter. Criteria: ACMG Guidelines, 2015. Collection method: clinical testing. Allele origin: germline.
Comment: The SCN1A c.5877G>T variant is predicted to result in the amino acid substitution p.Met1959Ile. To our knowledge, this variant has not been reported in the literature. This variant is reported in 0.0044% of alleles in individuals of European (Non-Finnish) descent in gnomAD, which is more common than expected for a disease-causing variant in SCN1A. Although we suspect this variant may be benign, at this time, the clinical significance is uncertain due to the absence of conclusive functional and genetic evidence.

Ambry Genetics
Classification: Likely benign for Inborn genetic diseases. Last evaluated: 2018-07-12. Review status: criteria provided, single submitter. Criteria: Ambry Variant Classification Scheme 2023. Collection method: clinical testing. Allele origin: germline.

CeGaT Center for Human Genetics Tuebingen
Classification: Uncertain significance. Last evaluated: 2016-11-01. Review status: criteria provided, single submitter. Criteria: CeGaT Center For Human Genetics Tuebingen Variant Classification Criteria Version 2. Collection method: clinical testing. Allele origin: germline. Affected: yes. Observed: 1 variant allele.